The following is an entry in ClinVar:

NM_181672.3(OGT):c.3069G>T (p.Met1023Ile)

Gene: OGT (O-linked N-acetylglucosamine (GlcNAc) transferase; plus strand). Cytogenetic location: Xq13.1.
Variant type: single nucleotide variant.
Coding change: c.3069G>T on transcript NM_181672.3 (MANE Select); coding-DNA position 3069, G replaced by T.
Protein change: p.Met1023Ile; replaces methionine 1023 with isoleucine.
Molecular consequence: missense variant.
Genome position (GRCh38, 1-based): chrX:71,573,722, G>T. VCF-style: chrX-71573722-G-T. GRCh37 (hg19) VCF-style: chrX-70793572-G-T.
Other names: c.3039G>T, p.Met1013Ile (NM_181673.3); short protein forms M1013I, M1023I.
Identifiers: ClinVar variation 4818923 (VCV004818923.1).

ClinVar aggregate classification (germline): Uncertain significance (1 of 4 stars; one submission).

Submission:

GeneDx
Classification: Uncertain significance. Last evaluated: 2025-09-27. Review status: criteria provided, single submitter. Criteria: GeneDx Variant Classification Process June 2021. Collection method: clinical testing. Allele origin: germline. Affected: yes.
Comment: Not observed at significant frequency in large population cohorts (gnomAD); In silico analysis supports that this missense variant has a deleterious effect on protein structure/function; Has not been previously published as pathogenic or benign to our knowledge